The following is an entry in ClinVar:

NM_025265.4(TSEN2):c.-199G>T

Genes: TSEN2 (tRNA splicing endonuclease subunit 2; plus strand), LOC129936171 (ATAC-STARR-seq lymphoblastoid active region 19441; plus strand). Cytogenetic location: 3p25.2.
Variant type: single nucleotide variant.
Coding change: c.-199G>T on transcript NM_025265.4 (MANE Select); 199 bases upstream of the start codon, G replaced by T.
Molecular consequence: 5 prime UTR variant. On other transcripts: intron variant (5).
Genome position (GRCh38, 1-based): chr3:12,484,699, G>T. VCF-style: chr3-12484699-G-T. GRCh37 (hg19) VCF-style: chr3-12526198-G-T.
Other names: c.-199G>T (NM_001321279.2); c.-18+182G>T (NM_001321278.2, NM_001321277.2, NM_001145393.3 and 1 more transcripts); c.-18+71G>T (NM_001145392.2).
Identifiers: ClinVar variation 343062 (VCV000343062.6), dbSNP rs41293381, ClinGen allele CA10615171.

ClinVar aggregate classification (germline): Benign. Review status: criteria provided, multiple submitters, no conflicts (2 of 4 stars). 2 submissions from 2 submitters: Benign (2). Last evaluated 2018-01-13.

Conditions:
Pontoneocerebellar hypoplasia. Also called: Pontocerebellar hypoplasia; Non-syndromic pontocerebellar hypoplasia. Identifiers: Orphanet 98523, MedGen C1261175, MONDO:0020135.

Allele frequency attached by ClinVar (database versions not stated): gnomAD 0.01068; TOPMed 0.01658; gnomAD exomes 0.02703; 1000 Genomes Project 30x 0.03217; 1000 Genomes Project 0.03255.
gnomAD v4.1: 2,444 of 152,416 alleles (1.6%); highest among the groups gnomAD compares: South Asian, 6%; 39 homozygotes.

Submissions (2):

Illumina Laboratory Services, Illumina
Classification: Benign for Pontoneocerebellar hypoplasia. Last evaluated: 2018-01-13. Review status: criteria provided, single submitter. Criteria: ICSL Variant Classification Criteria 13 December 2019. Collection method: clinical testing. Allele origin: germline.
Comment: This variant was observed in the ICSL laboratory as part of a predisposition screen in an ostensibly healthy population. It had not been previously curated by ICSL or reported in the Human Gene Mutation Database (HGMD: prior to June 1st, 2018), and was therefore a candidate for classification through an automated scoring system. Utilizing variant allele frequency, disease prevalence and penetrance estimates, and inheritance mode, an automated score was calculated to assess if this variant is too frequent to cause the disease. Based on the score and internal cut-off values, a variant classified as benign is not then subjected to further curation. The score for this variant resulted in a classification of benign for this disease.

Breakthrough Genomics
Classification: Benign. Review status: criteria provided, single submitter. Criteria: ACMG Guidelines, 2015. Collection method: not provided. Allele origin: germline. Inheritance: Autosomal recessive inheritance. Affected: yes.